The following is an entry in ClinVar:

ClinVar aggregate classification (germline): Benign/Likely benign. Review status: criteria provided, multiple submitters, no conflicts (2 of 4 stars). 3 submissions from 3 submitters: Benign (1); Likely benign (2). Last evaluated 2026-07-01.

Conditions:
Sessile serrated polyposis cancer syndrome (SSPCS). Identifiers: Orphanet 157798, MedGen C4310714, MONDO:0014919, OMIM 617108.

Allele frequency attached by ClinVar (database versions not stated): TOPMed 0.00002; gnomAD 0.00001.
gnomAD v4.1: 2 of 1,614,018 alleles (0.00012%); highest among the groups gnomAD compares: African/African-American, 0.0027%; no homozygotes.

Submissions (3):

Myriad Genetics, Inc.
Classification: Benign for Sessile serrated polyposis cancer syndrome. Last evaluated: 2026-07-01. Review status: criteria provided, single submitter. Criteria: Myriad Autosomal Dominant, Autosomal Recessive and X-Linked Classification Criteria (2023). Collection method: clinical testing. Allele origin: unknown.
Comment: This variant is considered benign. This variant is a silent/synonymous amino acid change and it is not expected to impact splicing.

Ambry Genetics
Classification: Likely benign. Last evaluated: 2025-10-01. Review status: criteria provided, single submitter. Criteria: Ambry Variant Classification Scheme 2023. Collection method: clinical testing. Allele origin: germline.

Labcorp Genetics (formerly Invitae), Labcorp
Classification: Likely benign. Last evaluated: 2023-11-28. Review status: criteria provided, single submitter. Criteria: Invitae Variant Classification Sherloc (09022015). Collection method: clinical testing. Allele origin: germline.

NM_017763.6(RNF43):c.1374G>T (p.Leu458=)

Gene: RNF43 (ring finger protein 43; minus strand). Cytogenetic location: 17q22.
Variant type: single nucleotide variant.
Coding change: c.1374G>T on transcript NM_017763.6 (MANE Select); coding-DNA position 1374, G replaced by T.
Protein change: p.Leu458=; no amino-acid change (leucine 458 retained).
Molecular consequence: synonymous variant.
Genome position (GRCh38, 1-based): chr17:58,358,402, C>A on the plus strand (G>T on the coding strand, the complement: RNF43 is on the minus strand). VCF-style: chr17-58358402-C-A. GRCh37 (hg19) VCF-style: chr17-56435763-C-A.
Other names: c.1374G>T, p.Leu458= (NM_001305544.3); c.993G>T, p.Leu331= (NM_001305545.2); c.1374G>T (NM_017763.4).
Identifiers: ClinVar variation 2893302 (VCV002893302.5), dbSNP rs761265827, ClinGen allele CA501324975.
Genomic context (GRCh38, chr17:58,358,402, plus strand): 5'-AGAGTCACTGGAAGAGCCATGACAGGGCCCTGAGCTGGAGTCACTGGCTGGCCCATCTGC[C>A]AGGTACCCACTGCGTTCTGTGCAATAGCTTTCTCCAGATCCACTGCTGTCAGGGGGCCTG-3'
Protein context (NP_060233.3, residues 448-468): ESYCTERSGY[Leu458=]ADGPASDSSS